The following is an entry in ClinVar:

ClinVar aggregate classification (germline): Uncertain significance. Review status: criteria provided, multiple submitters, no conflicts (2 of 4 stars). 2 submissions from 2 submitters: Uncertain significance (2). Last evaluated 2022-11-14.

Conditions:
Pyogenic bacterial infections due to MyD88 deficiency (IMD68). Also called: PYOGENIC BACTERIAL INFECTIONS, RECURRENT, DUE TO MYD88 DEFICIENCY. Identifiers: Orphanet 183713, MedGen C2677092, MONDO:0012839, OMIM 612260.

Allele frequency attached by ClinVar (database versions not stated): gnomAD exomes 0.00001 and 0.00002; ExAC 0.00002; TOPMed 0.00003; gnomAD 0.00004 and 0.00005; 1000 Genomes Project 0.00040; 1000 Genomes Project 30x 0.00047.

Submissions (2):

Blueprint Genetics
Classification: Uncertain significance. Last evaluated: 2022-11-14. Review status: criteria provided, single submitter. Criteria: ACMG Guidelines, 2015. Collection method: clinical testing. Allele origin: germline.

Labcorp Genetics (formerly Invitae), Labcorp
Classification: Uncertain significance for Pyogenic bacterial infections due to MyD88 deficiency. Last evaluated: 2022-06-14. Review status: criteria provided, single submitter. Criteria: Invitae Variant Classification Sherloc (09022015). Collection method: clinical testing. Allele origin: germline.
Comment: This sequence change replaces tyrosine, which is neutral and polar, with histidine, which is basic and polar, at codon 180 of the MYD88 protein (p.Tyr180His). This variant is present in population databases (rs186265242, gnomAD 0.01%). This variant has not been reported in the literature in individuals affected with MYD88-related conditions. ClinVar contains an entry for this variant (Variation ID: 568203). Algorithms developed to predict the effect of missense changes on protein structure and function (SIFT, PolyPhen-2, Align-GVGD) all suggest that this variant is likely to be disruptive. In summary, the available evidence is currently insufficient to determine the role of this variant in disease. Therefore, it has been classified as a Variant of Uncertain Significance.

NM_002468.5(MYD88):c.499T>C (p.Tyr167His)

Gene: MYD88 (MYD88 innate immune signal transduction adaptor; plus strand). Cytogenetic location: 3p22.2.
Variant type: single nucleotide variant.
Coding change: c.499T>C on transcript NM_002468.5 (MANE Select); coding-DNA position 499, T replaced by C.
Protein change: p.Tyr167His; replaces tyrosine 167 with histidine.
Molecular consequence: missense variant. On other transcripts: intron variant (2).
Genome position (GRCh38, 1-based): chr3:38,140,423, T>C. VCF-style: chr3-38140423-T-C. GRCh37 (hg19) VCF-style: chr3-38181914-T-C.
Other names: c.499T>C, p.Tyr167His (NM_001172567.2, NM_001365876.1); c.364T>C, p.Tyr122His (NM_001172568.2, NM_001365877.1); c.464-334T>C (NM_001172569.3); c.329-334T>C (NM_001172566.2); short protein forms Y167H, Y122H.
Identifiers: ClinVar variation 568203 (VCV000568203.4), dbSNP rs186265242, ClinGen allele CA2316144.